The following is an entry in ClinVar:

NM_017950.4(CCDC40):c.769G>A (p.Ala257Thr)

Gene: CCDC40 (coiled-coil domain 40 molecular ruler complex subunit; plus strand). Cytogenetic location: 17q25.3.
Variant type: single nucleotide variant.
Coding change: c.769G>A on transcript NM_017950.4 (MANE Select); coding-DNA position 769, G replaced by A.
Protein change: p.Ala257Thr; replaces alanine 257 with threonine.
Molecular consequence: missense variant.
Genome position (GRCh38, 1-based): chr17:80,048,675, G>A. VCF-style: chr17-80048675-G-A. GRCh37 (hg19) VCF-style: chr17-78022474-G-A.
Other names: c.769G>A, p.Ala257Thr (NM_001243342.2, NM_001330508.2); short protein forms A257T.
Identifiers: ClinVar variation 1990343 (VCV001990343.2), dbSNP rs567790726, ClinGen allele CA8813565.
Genomic context (GRCh38, chr17:80,048,675, plus strand): 5'-AGGGAAGGAGACCTGCCAGTGTTCCAGGACCAGATCCAGCAGCCCAGCACCGAGGAGGGG[G>A]CCATGGCAGAGAGAGTGGAGTCCGAGGGGAGTGACGAGGAAGCAGAAGACGAAGGGTCCC-3'
Protein context (NP_060420.2, residues 247-267): QIQQPSTEEG[Ala257Thr]MAERVESEGS

ClinVar aggregate classification (germline): Uncertain significance (1 of 4 stars; one submission).

Conditions:
Primary ciliary dyskinesia. Also called: Ciliary dyskinesia. Identifiers: Orphanet 244, MedGen C0008780, MONDO:0016575, HP:0012265.

Allele frequency attached by ClinVar (database versions not stated): TOPMed 0.00001; gnomAD 0.00003; gnomAD exomes 0.00005; ExAC 0.00017; 1000 Genomes Project 0.00080; 1000 Genomes Project 30x 0.00094.

Submission:

Labcorp Genetics (formerly Invitae), Labcorp
Classification: Uncertain significance for Primary ciliary dyskinesia. Last evaluated: 2025-12-08. Review status: criteria provided, single submitter. Criteria: Invitae Variant Classification Sherloc (09022015). Collection method: clinical testing. Allele origin: germline.
Comment: This sequence change replaces alanine, which is neutral and non-polar, with threonine, which is neutral and polar, at codon 257 of the CCDC40 protein (p.Ala257Thr). This variant is present in population databases (rs567790726, gnomAD 0.1%). This variant has not been reported in the literature in individuals affected with CCDC40-related conditions. ClinVar contains an entry for this variant (Variation ID: 1990343). An algorithm developed to predict the effect of missense changes on protein structure and function outputs the following: PolyPhen-2: "Benign". The threonine amino acid residue is found in multiple mammalian species, which suggests that this missense change does not adversely affect protein function. In summary, the available evidence is currently insufficient to determine the role of this variant in disease. Therefore, it has been classified as a Variant of Uncertain Significance.